The following is an entry in ClinVar:

NM_025114.4(CEP290):c.5027A>T (p.His1676Leu)

Gene: CEP290 (centrosomal protein 290; minus strand). Cytogenetic location: 12q21.32.
Variant type: single nucleotide variant.
Coding change: c.5027A>T on transcript NM_025114.4 (MANE Select); coding-DNA position 5027, A replaced by T.
Protein change: p.His1676Leu; replaces histidine 1676 with leucine.
Molecular consequence: missense variant.
Genome position (GRCh38, 1-based): chr12:88,080,381, T>A on the plus strand (A>T on the coding strand, the complement: CEP290 is on the minus strand). VCF-style: chr12-88080381-T-A. GRCh37 (hg19) VCF-style: chr12-88474158-T-A.
Other names: short protein forms H1676L.
Identifiers: ClinVar variation 2947849 (VCV002947849.3), dbSNP rs375246057, ClinGen allele CA385991617.
Genomic context (GRCh38, chr12:88,080,381, plus strand): 5'-TGGTCCAGAAGATACTTTAAATCCTCTACTTCCGCTTTTACTTTTTTCACTTCATCTTCA[T>A]GGTTTTCTTGAAGCCTGATGTAAATAAACATATGTGTGTGTGTGTTTTTTAATTTTTAAT-3'
Protein context (NP_079390.3, residues 1666-1686): ENIKLQLQEN[His1676Leu]EDEVKKVKAE

ClinVar aggregate classification (germline): Uncertain significance (1 of 4 stars; one submission).

Conditions:
Joubert syndrome. Also called: CEREBELLOPARENCHYMAL DISORDER IV; JOUBERT-BOLTSHAUSER SYNDROME; Familial aplasia of the vermis. Identifiers: Orphanet 475, MedGen C5979921, MONDO:0018772.
Nephronophthisis. Also called: Juvenile Nephronophthisis. Identifiers: Orphanet 655, MedGen C0687120, MONDO:0019005, HP:0000090.
Meckel-Gruber syndrome. Also called: DYSENCEPHALIA SPLANCHNOCYSTICA; GRUBER SYNDROME; Dysencephalia splachnocystica. Identifiers: Orphanet 564, MedGen C0265215, MONDO:0018921.

gnomAD v4.1: 1 of 1,610,980 alleles (0.000062%); highest among the groups gnomAD compares: South Asian, 0.0011%; no homozygotes.

Submission:

Labcorp Genetics (formerly Invitae), Labcorp
Classification: Uncertain significance for Joubert syndrome; Meckel-Gruber syndrome; Nephronophthisis. Last evaluated: 2023-05-16. Review status: criteria provided, single submitter. Criteria: Invitae Variant Classification Sherloc (09022015). Collection method: clinical testing. Allele origin: germline.
Comment: This variant has not been reported in the literature in individuals affected with CEP290-related conditions. This variant is not present in population databases (gnomAD no frequency). This sequence change replaces histidine, which is basic and polar, with leucine, which is neutral and non-polar, at codon 1676 of the CEP290 protein (p.His1676Leu). In summary, the available evidence is currently insufficient to determine the role of this variant in disease. Therefore, it has been classified as a Variant of Uncertain Significance. Advanced modeling of protein sequence and biophysical properties (such as structural, functional, and spatial information, amino acid conservation, physicochemical variation, residue mobility, and thermodynamic stability) performed at Invitae indicates that this missense variant is not expected to disrupt CEP290 protein function.